The following is an entry in ClinVar:

NM_001371623.1(TCOF1):c.3385_3389dup (p.Pro1131fs)

Gene: TCOF1 (treacle ribosome biogenesis factor 1; plus strand). Cytogenetic location: 5q32.
Variant type: Duplication.
Coding change: c.3385_3389dup on transcript NM_001371623.1 (MANE Select); coding-DNA positions 3385 to 3389, 5 bases duplicated (AAGCT; older notation c.3385_3389dupAAGCT).
Protein change: p.Pro1131fs; shifts the reading frame from proline 1131.
Molecular consequence: frameshift variant.
Genome position (GRCh38, 1-based): chr5:150,392,044-150,392,048, AAGCT duplicated; duplicating any 5 consecutive bases within chr5:150,392,042-150,392,048 gives the same sequence; the c. name uses the placement nearest the transcript's 3' end. VCF-style (leftmost placement, unchanged base first): chr5-150392041-C-CCTAAG. GRCh37 (hg19) VCF-style: chr5-149771604-C-CCTAAG.
Other names: c.3154_3158dup, p.Pro1054fs (NM_000356.4, NM_001135245.2); c.3385_3389dup, p.Pro1131fs (NM_001135243.2); c.3271_3275dup, p.Pro1093fs (NM_001135244.2, NM_001195141.2); short protein forms P1054fs, P1093fs, P1131fs.
Identifiers: ClinVar variation 1705543 (VCV001705543.1), dbSNP rs2534300871, ClinGen allele CA2580073886.

ClinVar aggregate classification (germline): Likely pathogenic (1 of 4 stars; one submission).

Conditions:
Treacher Collins syndrome 1 (TCS1). Also called: TCOF1-Related Treacher Collins Syndrome. Identifiers: Orphanet 861, MedGen CN315775, MONDO:0007944, OMIM 154500.

Submission:

3billion
Classification: Likely pathogenic for Treacher Collins syndrome 1. Last evaluated: 2022-09-01. Review status: criteria provided, single submitter. Criteria: ACMG Guidelines, 2015. Collection method: clinical testing. Allele origin: germline. Affected: yes. Observed: 1 heterozygote.
Comment: The variant is not observed in the gnomAD v2.1.1 dataset. Frameshift variant is predicted to result in a loss or disruption of normal protein function through nonsense-mediated decay (NMD) or protein truncation. Multiple pathogenic variants are reported downstream of the variant. Therefore, this variant is classified as Likely pathogenic according to the recommendation of ACMG/AMP guideline.